The following is an entry in ClinVar:

ClinVar aggregate classification (germline): Uncertain significance (1 of 4 stars; one submission).

Conditions:
Tuberous sclerosis 2 (TSC2). Identifiers: Orphanet 805, MedGen C1860707, MONDO:0013199, OMIM 613254.

Submission:

Labcorp Genetics (formerly Invitae), Labcorp
Classification: Uncertain significance for Tuberous sclerosis 2. Last evaluated: 2023-10-08. Review status: criteria provided, single submitter. Criteria: Invitae Variant Classification Sherloc (09022015). Collection method: clinical testing. Allele origin: germline.
Comment: This sequence change replaces leucine, which is neutral and non-polar, with proline, which is neutral and non-polar, at codon 1519 of the TSC2 protein (p.Leu1519Pro). This variant is not present in population databases (gnomAD no frequency). This variant has not been reported in the literature in individuals affected with TSC2-related conditions. ClinVar contains an entry for this variant (Variation ID: 468100). Advanced modeling of protein sequence and biophysical properties (such as structural, functional, and spatial information, amino acid conservation, physicochemical variation, residue mobility, and thermodynamic stability) performed at Invitae indicates that this missense variant is not expected to disrupt TSC2 protein function. In summary, the available evidence is currently insufficient to determine the role of this variant in disease. Therefore, it has been classified as a Variant of Uncertain Significance.

NM_000548.5(TSC2):c.4556T>C (p.Leu1519Pro)

Gene: TSC2 (TSC complex subunit 2; plus strand). Cytogenetic location: 16p13.3.
Variant type: single nucleotide variant.
Coding change: c.4556T>C on transcript NM_000548.5 (MANE Select); coding-DNA position 4556, T replaced by C.
Protein change: p.Leu1519Pro; replaces leucine 1519 with proline.
Molecular consequence: missense variant.
Genome position (GRCh38, 1-based): chr16:2,085,013, T>C. VCF-style: chr16-2085013-T-C. GRCh37 (hg19) VCF-style: chr16-2135014-T-C.
Other names: c.4355T>C, p.Leu1452Pro (NM_001077183.3); c.4487T>C, p.Leu1496Pro (NM_001114382.3); c.4247T>C, p.Leu1416Pro (NM_001318827.2); c.4211T>C, p.Leu1404Pro (NM_001318829.2); c.3824T>C, p.Leu1275Pro (NM_001318831.2); c.4388T>C, p.Leu1463Pro (NM_001318832.2); c.4358T>C, p.Leu1453Pro (NM_001363528.2); c.4424T>C, p.Leu1475Pro (NM_001370404.1); and 1 more; short protein forms L1519P, L1404P, L1453P, L1475P, L1476P, L1275P, L1416P, L1496P.
Identifiers: ClinVar variation 468100 (VCV000468100.8), dbSNP rs1555514956, ClinGen allele CA394303025.